The following is an entry in ClinVar:

ClinVar aggregate classification (germline): Uncertain significance. Review status: criteria provided, multiple submitters, no conflicts (2 of 4 stars). 5 submissions from 5 submitters: Uncertain significance (5). Last evaluated 2025-09-16.

Conditions:
OPA1-related disorder. Also called: OPA1-related condition; OPA1-related disorders.
Autosomal dominant optic atrophy classic form (OPA1). Also called: KJER-TYPE OPTIC ATROPHY; Optic Atrophy Type 1; OPTIC ATROPHY, JUVENILE. Identifiers: Orphanet 98673, MedGen C0338508, MONDO:0008134, OMIM 165500.

Submissions (5):

Labcorp Genetics (formerly Invitae), Labcorp
Classification: Uncertain significance. Last evaluated: 2025-09-16. Review status: criteria provided, single submitter. Criteria: Invitae Variant Classification Sherloc (09022015). Collection method: clinical testing. Allele origin: germline.
Comment: This sequence change replaces alanine, which is neutral and non-polar, with serine, which is neutral and polar, at codon 8 of the OPA1 protein (p.Ala8Ser). This variant is not present in population databases (gnomAD no frequency). This missense change has been observed in individual(s) with optic atrophy (PMID: 16617242). ClinVar contains an entry for this variant (Variation ID: 193386). Invitae Evidence Modeling of protein sequence and biophysical properties (such as structural, functional, and spatial information, amino acid conservation, physicochemical variation, residue mobility, and thermodynamic stability) indicates that this missense variant is not expected to disrupt OPA1 protein function with a negative predictive value of 95%. In summary, the available evidence is currently insufficient to determine the role of this variant in disease. Therefore, it has been classified as a Variant of Uncertain Significance.

PreventionGenetics, part of Exact Sciences
Classification: Uncertain significance for OPA1-related condition. Last evaluated: 2024-11-11. Review status: criteria provided, single submitter. Criteria: ACMG Guidelines, 2015. Collection method: clinical testing. Allele origin: germline.
Comment: The OPA1 c.22G>T variant is predicted to result in the amino acid substitution p.Ala8Ser. This variant has been reported in the heterozygous state in an individual with presumed autosomal dominant optic atrophy (Han et al. 2006. PubMed ID: 16617242). This variant is absent in a large population database (gnomAD), indicating this variant is rare. At this time, the clinical significance of this variant is uncertain due to the absence of conclusive functional and genetic evidence.

SIB Swiss Institute of Bioinformatics
Classification: Uncertain significance for Autosomal dominant optic atrophy classic form. Last evaluated: 2018-05-31. Review status: criteria provided, single submitter. Criteria: ACMG Guidelines, 2015. Collection method: curation. Allele origin: unknown.
Comment: This variant is interpreted as a Uncertain Significance - Insufficient Evidence, for Optic atrophy 1, in Autosomal Dominant manner. The following ACMG Tag(s) were applied: PM2 => Absent from controls (or at extremely low frequency if recessive) in Exome Sequencing Project, 1000 Genomes Project, or Exome Aggregation Consortium.

Eurofins Ntd Llc (ga)
Classification: Uncertain significance. Last evaluated: 2015-01-06. Review status: criteria provided, single submitter. Criteria: EGL Classification Definitions 2015. Collection method: clinical testing. Allele origin: germline. Observed: 2 variant alleles, 2 heterozygotes.

GeneDx
Classification: Uncertain significance. Last evaluated: 2014-05-05. Review status: criteria provided, single submitter. Criteria: GeneDx Variant Classification (06012015). Collection method: clinical testing. Allele origin: germline. Affected: yes.
Comment: p.Ala8Ser (GCT>TCT): c.22 G>T in exon 1 of the OPA1 gene (NM_015560.2). The A8S variant of unknown significance has been published as a mutation in a patient with ADOA who also had a family history of optic atrophy; however, the authors do not state whether or not other family members were tested for A8S (Han et al., 2006). A8S has not been reported as a benign polymorphism to our knowledge, and the A8S variant was not observed in approximately 6200 individuals of European and African American ancestry in the NHLBI Exome Sequencing Project, indicating it is not a common benign variant in these populations. The A8S variant is a non-conservative amino acid substitution, which is likely to impact secondary protein structure as these residues differ in polarity, charge, size and/or other properties. This substitution occurs at a position that is conserved across species. In silico analysis predicts this variant likely does not alter the protein structure/function. Therefore, based on the currently available information, it is unclear whether this variant is a pathogenic mutation or a rare benign variant. The variant is found in MITONUC-MITOP panel(s).

Literature cited by the submitters: PubMed 16617242 (cited by Labcorp Genetics (formerly Invitae), Labcorp and Eurofins Ntd Llc (ga)).

NM_130837.3(OPA1):c.22G>T (p.Ala8Ser)

Gene: OPA1 (OPA1 mitochondrial dynamin like GTPase; plus strand). Cytogenetic location: 3q29.
Variant type: single nucleotide variant.
Coding change: c.22G>T on transcript NM_130837.3 (MANE Select); coding-DNA position 22, G replaced by T.
Protein change: p.Ala8Ser; replaces alanine 8 with serine.
Molecular consequence: missense variant. On other transcripts: 5 prime UTR variant (2).
Genome position (GRCh38, 1-based): chr3:193,593,399, G>T. VCF-style: chr3-193593399-G-T. GRCh37 (hg19) VCF-style: chr3-193311188-G-T.
Other names: NM_015560.2(OPA1):c.22G>T(p.Ala8Ser); NM_130831.2(OPA1):c.22G>T(p.Ala8Ser); NM_130832.2(OPA1):c.22G>T(p.Ala8Ser); NM_130833.2(OPA1):c.22G>T(p.Ala8Ser); NM_130834.2(OPA1):c.22G>T(p.Ala8Ser); NM_130835.2(OPA1):c.22G>T(p.Ala8Ser); NM_130836.2(OPA1):c.22G>T(p.Ala8Ser); NM_130837.2(OPA1):c.22G>T(p.Ala8Ser); and 3 more; short protein forms A8S.
Identifiers: ClinVar variation 193386 (VCV000193386.10), dbSNP rs794726939, ClinGen allele CA274916.